The following is an entry in ClinVar:

ClinVar aggregate classification (germline): Conflicting classifications of pathogenicity. Review status: criteria provided, conflicting classifications (1 of 4 stars). 2 submissions from 2 submitters: Likely pathogenic (1); Uncertain significance (1). Last evaluated 2026-06-25.

Conditions:
Autosomal recessive polycystic kidney disease (ARPKD). Also called: AR polycystic kidney disease. Identifiers: Orphanet 731, Orphanet 8378, MedGen C0085548, MeSH D017044, MONDO:0009889.
Polycystic kidney disease 4 (PKD4). Also called: POLYCYSTIC KIDNEY AND HEPATIC DISEASE 1; POLYCYSTIC KIDNEY DISEASE, INFANTILE, TYPE I; POLYCYSTIC KIDNEY DISEASE 4 WITH OR WITHOUT POLYCYSTIC LIVER DISEASE; PKD3; Autosomal Recessive Polycystic Kidney Disease – PKHD1. Identifiers: MedGen C4540575, MONDO:0033004, OMIM 263200.

gnomAD v4.1: 2 of 1,577,360 alleles (0.00013%); highest among the groups gnomAD compares: African/African-American, 0.0013%; no homozygotes.

Submissions (2):

Victorian Clinical Genetics Services, Murdoch Childrens Research Institute
Classification: Likely pathogenic for Polycystic kidney disease 4. Last evaluated: 2026-06-25. Review status: criteria provided, single submitter. Criteria: ACMG Guidelines, 2015. Collection method: clinical testing. Allele origin: germline. Affected: yes.
Comment: This variant is classified as Likely pathogenic. Evidence in support of pathogenic classification: Variant is present in gnomAD <0.01 for a recessive condition (v4: 2 heterozygote(s), 0 homozygote(s)); This variant has limited previous evidence of pathogenicity in an unrelated individual(s). This variant has been classified as VUS by a clinical laboratory in ClinVar, and reported as in trans in the literature in individuals with ARPKD (PMID: 41751613; Congreso interdisciplinar en Genetica humana 2017: C0502). Additional information: Non-coding variant with predicted effect. Abnormal splicing is predicted by an in silico tool, however, the nucleotide is poorly conserved; This variant is heterozygous; This gene is associated with autosomal recessive disease; however, there are emerging reports of individuals with heterozygous PKHD1 variants developing liver cysts and nephrocalcinosis (PMID: 21945273, 36691356); No published evidence of segregation with disease has been identified for this variant; No published functional evidence has been identified for this variant; Another variant(s) comparable to the one identified in this case has inconclusive previous evidence for pathogenicity. c.6122-12G>T has been classified as likely benign by a clinical laboratory in ClinVar; Loss of function is a known mechanism of disease in this gene and is associated with polycystic kidney disease 4, with or without hepatic disease (MIM#263200); Variants in this gene are known to have variable expressivity. Variants in this gene are known to have variable expressivity. Significant intrafamilial variability has been reported (PMID: 20301501).

Labcorp Genetics (formerly Invitae), Labcorp
Classification: Uncertain significance for Autosomal recessive polycystic kidney disease. Last evaluated: 2024-03-16. Review status: criteria provided, single submitter. Criteria: Invitae Variant Classification Sherloc (09022015). Collection method: clinical testing. Allele origin: germline.
Comment: This sequence change falls in intron 37 of the PKHD1 gene. It does not directly change the encoded amino acid sequence of the PKHD1 protein. This variant is present in population databases (rs749387700, gnomAD 0.007%). This variant has not been reported in the literature in individuals affected with PKHD1-related conditions. Algorithms developed to predict the effect of sequence changes on RNA splicing suggest that this variant may disrupt the consensus splice site. In summary, the available evidence is currently insufficient to determine the role of this variant in disease. Therefore, it has been classified as a Variant of Uncertain Significance.

Literature cited by the submitters: PubMed 21945273 (cited by Victorian Clinical Genetics Services, Murdoch Childrens Research Institute); PubMed 36691356 (cited by Victorian Clinical Genetics Services, Murdoch Childrens Research Institute); PubMed 41751613 (cited by Victorian Clinical Genetics Services, Murdoch Childrens Research Institute); PubMed 20301501 (cited by Victorian Clinical Genetics Services, Murdoch Childrens Research Institute).

NM_138694.4(PKHD1):c.6122-12G>A

Gene: PKHD1 (PKHD1 ciliary IPT domain containing fibrocystin/polyductin; minus strand). Cytogenetic location: 6p12.2.
Variant type: single nucleotide variant.
Coding change: c.6122-12G>A on transcript NM_138694.4 (MANE Select); 12 bases into the intron before coding-DNA position 6122, G replaced by A.
Molecular consequence: intron variant.
Genome position (GRCh38, 1-based): chr6:51,912,588, C>T on the plus strand (G>A on the coding strand, the complement: PKHD1 is on the minus strand). VCF-style: chr6-51912588-C-T. GRCh37 (hg19) VCF-style: chr6-51777386-C-T.
Other names: c.6122-12G>A (NM_170724.3).
Identifiers: ClinVar variation 3617224 (VCV003617224.4).